The following is an entry in ClinVar:

ClinVar aggregate classification (germline): Uncertain significance (1 of 4 stars; one submission).

Conditions:
Koolen-de Vries syndrome (KDVS). Identifiers: Orphanet 96169, MedGen C1864871, MONDO:0012496, OMIM 610443.

Submission:

Labcorp Genetics (formerly Invitae), Labcorp
Classification: Uncertain significance for Koolen-de Vries syndrome. Last evaluated: 2023-08-17. Review status: criteria provided, single submitter. Criteria: Invitae Variant Classification Sherloc (09022015). Collection method: clinical testing. Allele origin: germline.
Comment: In summary, the available evidence is currently insufficient to determine the role of this variant in disease. Therefore, it has been classified as a Variant of Uncertain Significance. Advanced modeling of protein sequence and biophysical properties (such as structural, functional, and spatial information, amino acid conservation, physicochemical variation, residue mobility, and thermodynamic stability) performed at Invitae indicates that this missense variant is not expected to disrupt KANSL1 protein function. ClinVar contains an entry for this variant (Variation ID: 2110618). This variant has not been reported in the literature in individuals affected with KANSL1-related conditions. This variant is not present in population databases (gnomAD no frequency). This sequence change replaces serine, which is neutral and polar, with cysteine, which is neutral and slightly polar, at codon 965 of the KANSL1 protein (p.Ser965Cys).

NM_015443.4(KANSL1):c.2894C>G (p.Ser965Cys)

Gene: KANSL1 (KAT8 regulatory NSL complex subunit 1). Cytogenetic location: 17q21.31.
Variant type: single nucleotide variant.
Coding change: c.2894C>G on transcript NM_015443.4 (MANE Select); coding-DNA position 2894, C replaced by G.
Protein change: p.Ser965Cys; replaces serine 965 with cysteine.
Molecular consequence: missense variant.
Genome position (GRCh38, 1-based): chr17:46,032,243, G>C on the plus strand (C>G on the coding strand, the complement: KANSL1 is on the minus strand). VCF-style: chr17-46032243-G-C. GRCh37 (hg19) VCF-style: chr17-44109609-G-C.
Other names: c.2705C>G, p.Ser902Cys (NM_001405878.1, NM_001405875.1, NM_001405876.1 and 1 more transcripts); c.2702C>G, p.Ser901Cys (NM_001405879.1, NM_001405880.1); c.1628C>G, p.Ser543Cys (NM_001405882.1); c.1625C>G, p.Ser542Cys (NM_001405883.1); c.1439C>G, p.Ser480Cys (NM_001405884.1); c.1436C>G, p.Ser479Cys (NM_001405885.1); c.2891C>G, p.Ser964Cys (NM_001193465.2, NM_001405856.1, NM_001405857.1 and 1 more transcripts); c.2894C>G, p.Ser965Cys (NM_001193466.2, NM_001379198.1, NM_001405854.1 and 1 more transcripts); and 2 more; short protein forms S479C, S543C, S902C, S901C, S930C, S542C, S931C, S964C.
Identifiers: ClinVar variation 2110618 (VCV002110618.4), dbSNP rs2510371664, ClinGen allele CA399987233.
Genomic context (GRCh38, chr17:46,032,243, plus strand): 5'-TGGGAGTATTCTGACAAAGAGTGGCTACTGCTGACATCAGGGGAGGCAGGCTGGGGGGTG[G>C]AGGGGTTGGCACTGCCCAGCTGGGGGGTTGTCCGGCCGTCTGATGACCTGTAGGACCTGC-3'
Protein context (NP_056258.1, residues 955-975): TTPQLGSANP[Ser965Cys]TPQPASPDVS